The following is an entry in ClinVar:

ClinVar aggregate classification (germline): Uncertain significance. Review status: criteria provided, multiple submitters, no conflicts (2 of 4 stars). 2 submissions from 2 submitters: Uncertain significance (2). Last evaluated 2023-02-14.

Conditions:
Hereditary cancer-predisposing syndrome. Also called: Neoplastic Syndromes, Hereditary; Tumor predisposition; Hereditary Cancer Syndrome; Hereditary neoplastic syndrome. Identifiers: Orphanet 140162, MedGen C0027672, MeSH D009386, MONDO:0015356.
Familial cancer of breast. Also called: BREAST CANCER, FAMILIAL; Hereditary breast cancer; hereditary breast carcinoma. Identifiers: Orphanet 227535, MedGen C0346153, MONDO:0016419, OMIM 114480. Disease mechanism: loss of function.

Submissions (2):

Ambry Genetics
Classification: Uncertain significance for Hereditary cancer-predisposing syndrome. Last evaluated: 2023-02-14. Review status: criteria provided, single submitter. Criteria: Ambry Variant Classification Scheme 2023. Collection method: clinical testing. Allele origin: germline.
Comment: The p.A968T variant (also known as c.2902G>A), located in coding exon 9 of the PALB2 gene, results from a G to A substitution at nucleotide position 2902. The alanine at codon 968 is replaced by threonine, an amino acid with similar properties. This alteration has been detected in a cohort of 122 patients who underwent multi-gene panel testing for hereditary cancer after having previously tested negative for mutations in BRCA1 and BRCA2 (Yadav S et al. Fam Cancer, 2017 Jul;16:319-328). This amino acid position is well conserved in available vertebrate species. In addition, this alteration is predicted to be tolerated by in silico analysis. Since supporting evidence is limited at this time, the clinical significance of this alteration remains unclear.

Labcorp Genetics (formerly Invitae), Labcorp
Classification: Uncertain significance for Familial cancer of breast. Last evaluated: 2022-10-13. Review status: criteria provided, single submitter. Criteria: Invitae Variant Classification Sherloc (09022015). Collection method: clinical testing. Allele origin: germline.
Comment: In summary, the available evidence is currently insufficient to determine the role of this variant in disease. Therefore, it has been classified as a Variant of Uncertain Significance. Advanced modeling of protein sequence and biophysical properties (such as structural, functional, and spatial information, amino acid conservation, physicochemical variation, residue mobility, and thermodynamic stability) performed at Invitae indicates that this missense variant is not expected to disrupt PALB2 protein function. ClinVar contains an entry for this variant (Variation ID: 186261). This variant has not been reported in the literature in individuals affected with PALB2-related conditions. This variant is not present in population databases (gnomAD no frequency). This sequence change replaces alanine, which is neutral and non-polar, with threonine, which is neutral and polar, at codon 968 of the PALB2 protein (p.Ala968Thr).

Literature cited by the submitters: PubMed 27878467 (cited by Ambry Genetics).

NM_024675.4(PALB2):c.2902G>A (p.Ala968Thr)

Gene: PALB2 (partner and localizer of BRCA2; minus strand). Cytogenetic location: 16p12.2.
Variant type: single nucleotide variant.
Coding change: c.2902G>A on transcript NM_024675.4 (MANE Select); coding-DNA position 2902, G replaced by A.
Protein change: p.Ala968Thr; replaces alanine 968 with threonine.
Molecular consequence: missense variant.
Genome position (GRCh38, 1-based): chr16:23,623,063, C>T on the plus strand (G>A on the coding strand, the complement: PALB2 is on the minus strand). VCF-style: chr16-23623063-C-T. GRCh37 (hg19) VCF-style: chr16-23634384-C-T.
Other names: short protein forms A968T.
Identifiers: ClinVar variation 186261 (VCV000186261.12), dbSNP rs786202813, ClinGen allele CA194284.
Genomic context (GRCh38, chr16:23,623,063, plus strand): 5'-GTTGATCAGAAAGGGTCCCACTGCTACTAACTAGCCTCCTCTTTGTCAGGCCAAGCACAG[C>T]TTTTATATTTCCAGACTTCAGTAGTACTTGCTTTTCACTTTCATCATCAGAGGAACAAAA-3'
Protein context (NP_078951.2, residues 958-978): QVLLKSGNIK[Ala968Thr]VLGLTKRRLV